The following is an entry in ClinVar:

NM_001110556.2(FLNA):c.6881G>C (p.Gly2294Ala)

Gene: FLNA (filamin A; minus strand). Cytogenetic location: Xq28.
Variant type: single nucleotide variant.
Coding change: c.6881G>C on transcript NM_001110556.2 (MANE Select); coding-DNA position 6881, G replaced by C.
Protein change: p.Gly2294Ala; replaces glycine 2294 with alanine.
Molecular consequence: missense variant.
Genome position (GRCh38, 1-based): chrX:154,351,910, C>G on the plus strand (G>C on the coding strand, the complement: FLNA is on the minus strand). VCF-style: chrX-154351910-C-G. GRCh37 (hg19) VCF-style: chrX-153580278-C-G.
Other names: c.6857G>C, p.Gly2286Ala (NM_001456.4); short protein forms G2286A, G2294A.
Identifiers: ClinVar variation 3907638 (VCV003907638.1).

ClinVar aggregate classification (germline): Uncertain significance (1 of 4 stars; one submission).

Submission:

Women's Health and Genetics/Laboratory Corporation of America, LabCorp
Classification: Uncertain significance. Last evaluated: 2025-06-19. Review status: criteria provided, single submitter. Criteria: LabCorp Variant Classification Summary - May 2015. Collection method: clinical testing. Allele origin: germline.
Comment: Variant summary: FLNA c.6881G>C (p.Gly2294Ala) results in a non-conservative amino acid change in the encoded protein sequence. Algorithms developed to predict the effect of missense changes on protein structure and function all suggest that this variant is likely to be disruptive. The variant was absent in 180991 control chromosomes. The available data on variant occurrences in the general population are insufficient to allow any conclusion about variant significance. To our knowledge, no occurrence of c.6881G>C in individuals affected with Periventricular Nodular Heterotopia 1 and no experimental evidence demonstrating its impact on protein function have been reported. No submitters have cited clinical-significance assessments for this variant to ClinVar. Based on the evidence outlined above, the variant was classified as uncertain significance.